The following is an entry in ClinVar:

NM_004937.3(CTNS):c.320del (p.Asn107fs)

Genes: CTNS (cystinosin, lysosomal cystine transporter; plus strand), CTNS-AS1 (CTNS antisense RNA 1; minus strand). Cytogenetic location: 17p13.2.
Variant type: Deletion.
Coding change: c.320del on transcript NM_004937.3 (MANE Select); coding-DNA position 320, one base deleted (A; older notation c.320delA).
Protein change: p.Asn107fs; shifts the reading frame from asparagine 107.
Molecular consequence: frameshift variant. On other transcripts: 5 prime UTR variant (4).
Genome position (GRCh38, 1-based): chr17:3,655,092, A deleted; the last of 2 consecutive A bases (chr17:3,655,091-3,655,092); deleting either gives the same sequence. VCF-style (leftmost placement, unchanged base first): chr17-3655090-CA-C. GRCh37 (hg19) VCF-style: chr17-3558384-CA-C.
Other names: c.320del, p.Asn107fs (NM_001031681.3, NM_001374492.1); c.-122del (NM_001374493.1, NM_001374494.1, NM_001374495.1 and 1 more transcripts); short protein forms N107fs.
Identifiers: ClinVar variation 5014275 (VCV005014275.1).

ClinVar aggregate classification (germline): Pathogenic (1 of 4 stars; one submission).

Conditions:
Cystinosis. Also called: Cystine diathesis; Cystine storage disease; Cystinoses. Identifiers: Orphanet 213, MedGen C4316899, MONDO:0016239.

Submission:

Myriad Genetics, Inc.
Classification: Pathogenic for Cystinosis. Last evaluated: 2025-03-28. Review status: criteria provided, single submitter. Criteria: Myriad Autosomal Dominant, Autosomal Recessive and X-Linked Classification Criteria (2023). Collection method: clinical testing. Allele origin: unknown.
Comment: NM_004937.2(CTNS):c.320delA(N107Ifs*11) is expected to be pathogenic in the context of cystinosis. This variant is predicted to lead to an abnormal or absent protein product due to the creation of a premature termination codon in CTNS, a gene where loss-of-function variants are known to be pathogenic. Please note: this variant was assessed in the context of healthy population screening.